The following is an entry in ClinVar:

ClinVar aggregate classification (germline): Conflicting classifications of pathogenicity. Review status: criteria provided, conflicting classifications (1 of 4 stars). 2 submissions from 2 submitters: Uncertain significance (1); Benign (1). Last evaluated 2023-10-01.

Conditions:
Retinal dystrophy. Also called: Inherited retinal dystrophy. Identifiers: Orphanet 71862, MedGen C0854723, MeSH D058499, MONDO:0019118, HP:0000556.

Allele frequency attached by ClinVar (database versions not stated): gnomAD exomes 0.00001 and 0.00002; ExAC 0.00002.
gnomAD v4.1: 12 of 1,614,072 alleles (0.00074%); highest among the groups gnomAD compares: East Asian, 0.025%; no homozygotes.

Submissions (2):

Dept Of Ophthalmology, Nagoya University
Classification: Benign for Retinal dystrophy. Last evaluated: 2023-10-01. Review status: criteria provided, single submitter. Criteria: Submitter's publication. Collection method: research. Allele origin: germline. Affected: yes.

Labcorp Genetics (formerly Invitae), Labcorp
Classification: Uncertain significance. Last evaluated: 2021-04-16. Review status: criteria provided, single submitter. Criteria: Invitae Variant Classification Sherloc (09022015). Collection method: clinical testing. Allele origin: germline.
Comment: This sequence change replaces glutamic acid with lysine at codon 334 of the IMPG1 protein (p.Glu334Lys). The glutamic acid residue is weakly conserved and there is a small physicochemical difference between glutamic acid and lysine. This variant is present in population databases (rs769205953, ExAC 0.03%). In summary, the available evidence is currently insufficient to determine the role of this variant in disease. Therefore, it has been classified as a Variant of Uncertain Significance. Algorithms developed to predict the effect of missense changes on protein structure and function (SIFT, PolyPhen-2, Align-GVGD) all suggest that this variant is likely to be tolerated, but these predictions have not been confirmed by published functional studies and their clinical significance is uncertain. This variant has not been reported in the literature in individuals with IMPG1-related conditions.

NM_001563.4(IMPG1):c.1000G>A (p.Glu334Lys)

Gene: IMPG1 (interphotoreceptor matrix proteoglycan 1; minus strand). Cytogenetic location: 6q14.1.
Variant type: single nucleotide variant.
Coding change: c.1000G>A on transcript NM_001563.4 (MANE Select); coding-DNA position 1000, G replaced by A.
Protein change: p.Glu334Lys; replaces glutamic acid 334 with lysine.
Molecular consequence: missense variant.
Genome position (GRCh38, 1-based): chr6:76,005,422, C>T on the plus strand (G>A on the coding strand, the complement: IMPG1 is on the minus strand). VCF-style: chr6-76005422-C-T. GRCh37 (hg19) VCF-style: chr6-76715139-C-T.
Other names: c.766G>A, p.Glu256Lys (NM_001282368.2); short protein forms E256K, E334K.
Identifiers: ClinVar variation 1488520 (VCV001488520.9), dbSNP rs769205953, ClinGen allele CA3898249.